The following is an entry in ClinVar:

NM_015404.4(WHRN):c.1903C>T (p.Pro635Ser)

Gene: WHRN (whirlin; minus strand). Cytogenetic location: 9q32.
Variant type: single nucleotide variant.
Coding change: c.1903C>T on transcript NM_015404.4 (MANE Select); coding-DNA position 1903, C replaced by T.
Protein change: p.Pro635Ser; replaces proline 635 with serine.
Molecular consequence: missense variant.
Genome position (GRCh38, 1-based): chr9:114,406,688, G>A on the plus strand (C>T on the coding strand, the complement: WHRN is on the minus strand). VCF-style: chr9-114406688-G-A. GRCh37 (hg19) VCF-style: chr9-117168968-G-A.
Other names: c.754C>T, p.Pro252Ser (NM_001083885.3); c.1903C>T, p.Pro635Ser (NM_001173425.2); c.850C>T, p.Pro284Ser (NM_001346890.1); short protein forms P635S, P284S, P252S.
Identifiers: ClinVar variation 857962 (VCV000857962.7), dbSNP rs1225086825, ClinGen allele CA374620688.

ClinVar aggregate classification (germline): Uncertain significance (1 of 4 stars; one submission).

Allele frequency attached by ClinVar (database versions not stated): gnomAD 0.00001; gnomAD exomes 0.00001; TOPMed 0.00002.
gnomAD v4.1: 9 of 1,613,952 alleles (0.00056%); highest among the groups gnomAD compares: Middle Eastern, 0.016%; no homozygotes.

Submission:

Labcorp Genetics (formerly Invitae), Labcorp
Classification: Uncertain significance. Last evaluated: 2022-08-01. Review status: criteria provided, single submitter. Criteria: Invitae Variant Classification Sherloc (09022015). Collection method: clinical testing. Allele origin: germline.
Comment: ClinVar contains an entry for this variant (Variation ID: 857962). This variant has not been reported in the literature in individuals affected with WHRN-related conditions. This variant is not present in population databases (gnomAD no frequency). This sequence change replaces proline, which is neutral and non-polar, with serine, which is neutral and polar, at codon 635 of the WHRN protein (p.Pro635Ser). Algorithms developed to predict the effect of missense changes on protein structure and function output the following: SIFT: "Tolerated"; PolyPhen-2: "Benign"; Align-GVGD: "Class C0". The serine amino acid residue is found in multiple mammalian species, which suggests that this missense change does not adversely affect protein function. In summary, the available evidence is currently insufficient to determine the role of this variant in disease. Therefore, it has been classified as a Variant of Uncertain Significance.